The following is an entry in ClinVar:

NM_144997.7(FLCN):c.293A>T (p.His98Leu)

Gene: FLCN (folliculin; minus strand). Cytogenetic location: 17p11.2.
Variant type: single nucleotide variant.
Coding change: c.293A>T on transcript NM_144997.7 (MANE Select); coding-DNA position 293, A replaced by T.
Protein change: p.His98Leu; replaces histidine 98 with leucine.
Molecular consequence: missense variant.
Genome position (GRCh38, 1-based): chr17:17,226,279, T>A on the plus strand (A>T on the coding strand, the complement: FLCN is on the minus strand). VCF-style: chr17-17226279-T-A. GRCh37 (hg19) VCF-style: chr17-17129593-T-A.
Other names: c.293A>T, p.His98Leu (NM_001353229.2, NM_001353230.2, NM_001353231.2 and 1 more transcripts); short protein forms H98L.
Identifiers: ClinVar variation 1797896 (VCV001797896.9), dbSNP rs2047246681, ClinGen allele CA398534910.

ClinVar aggregate classification (germline): Uncertain significance. Review status: criteria provided, multiple submitters, no conflicts (2 of 4 stars). 3 submissions from 3 submitters: Uncertain significance (3). Last evaluated 2024-12-04.

Conditions:
Hereditary cancer-predisposing syndrome. Also called: Neoplastic Syndromes, Hereditary; Tumor predisposition; Hereditary neoplastic syndrome; Hereditary Cancer Syndrome. Identifiers: Orphanet 140162, MedGen C0027672, MeSH D009386, MONDO:0015356.
Birt-Hogg-Dube syndrome. Also called: Birt Hogg Dubé syndrome. Identifiers: Orphanet 122, MedGen C0346010, MONDO:0800444.

Allele frequency attached by ClinVar (database versions not stated): gnomAD 0.00001.
gnomAD v4.1: 2 of 1,614,042 alleles (0.00012%); highest among the groups gnomAD compares: African/African-American, 0.0013%; no homozygotes.

Submissions (3):

Labcorp Genetics (formerly Invitae), Labcorp
Classification: Uncertain significance for Birt-Hogg-Dube syndrome. Last evaluated: 2024-12-04. Review status: criteria provided, single submitter. Criteria: Invitae Variant Classification Sherloc (09022015). Collection method: clinical testing. Allele origin: germline.
Comment: This sequence change replaces histidine, which is basic and polar, with leucine, which is neutral and non-polar, at codon 98 of the FLCN protein (p.His98Leu). This variant is not present in population databases (gnomAD no frequency). This variant has not been reported in the literature in individuals affected with FLCN-related conditions. ClinVar contains an entry for this variant (Variation ID: 1797896). Invitae Evidence Modeling of protein sequence and biophysical properties (such as structural, functional, and spatial information, amino acid conservation, physicochemical variation, residue mobility, and thermodynamic stability) indicates that this missense variant is not expected to disrupt FLCN protein function with a negative predictive value of 80%. In summary, the available evidence is currently insufficient to determine the role of this variant in disease. Therefore, it has been classified as a Variant of Uncertain Significance.

Ambry Genetics
Classification: Uncertain significance for Hereditary cancer-predisposing syndrome. Last evaluated: 2024-11-24. Review status: criteria provided, single submitter. Criteria: Ambry Variant Classification Scheme 2023. Collection method: clinical testing. Allele origin: germline.
Comment: The p.H98L variant (also known as c.293A>T), located in coding exon 2 of the FLCN gene, results from an A to T substitution at nucleotide position 293. The histidine at codon 98 is replaced by leucine, an amino acid with similar properties. This amino acid position is highly conserved through mammals but not in all available vertebrate species. In addition, the in silico prediction for this alteration is inconclusive. Since supporting evidence is limited at this time, the clinical significance of this alteration remains unclear.

Baylor Genetics
Classification: Uncertain significance for Birt-Hogg-Dube syndrome 1. Last evaluated: 2023-06-26. Review status: criteria provided, single submitter. Criteria: ACMG Guidelines, 2015. Collection method: clinical testing. Allele origin: unknown.